The following is an entry in ClinVar:

NM_017888.3(ACSM5):c.1059C>T (p.Asp353=)

Gene: ACSM5 (acyl-CoA synthetase medium chain family member 5; plus strand). Cytogenetic location: 16p12.3.
Variant type: single nucleotide variant.
Coding change: c.1059C>T on transcript NM_017888.3 (MANE Select); coding-DNA position 1059, C replaced by T.
Protein change: p.Asp353=; no amino-acid change (aspartic acid 353 retained).
Molecular consequence: synonymous variant.
Genome position (GRCh38, 1-based): chr16:20,429,735, C>T. VCF-style: chr16-20429735-C-T. GRCh37 (hg19) VCF-style: chr16-20441057-C-T.
Other names: c.1059C>T, p.Asp353= (NM_001324371.2, NM_001324372.2).
Identifiers: ClinVar variation 2646281 (VCV002646281.24), dbSNP rs762707021, ClinGen allele CA7940647.

ClinVar aggregate classification (germline): Likely benign (1 of 4 stars; one submission).

Allele frequency attached by ClinVar (database versions not stated): gnomAD 0.00001; gnomAD exomes 0.00002; TOPMed 0.00002; 1000 Genomes Project 30x 0.00016.
gnomAD v4.1: 25 of 1,613,126 alleles (0.0015%); highest among the groups gnomAD compares: Admixed American, 0.017%; no homozygotes.

Submission:

CeGaT Center for Human Genetics Tuebingen
Classification: Likely benign. Last evaluated: 2022-05-01. Review status: criteria provided, single submitter. Criteria: CeGaT Center For Human Genetics Tuebingen Variant Classification Criteria Version 2. Collection method: clinical testing. Allele origin: germline. Affected: yes. Observed: 1 variant allele.
Comment: ACSM5: BP4, BP7